The following is an entry in ClinVar:

NM_001378120.1(MBD5):c.4739G>C (p.Gly1580Ala)

Gene: MBD5 (methyl-CpG binding domain protein 5; plus strand). Cytogenetic location: 2q23.1.
Variant type: single nucleotide variant.
Coding change: c.4739G>C on transcript NM_001378120.1 (MANE Select); coding-DNA position 4739, G replaced by C.
Protein change: p.Gly1580Ala; replaces glycine 1580 with alanine.
Molecular consequence: missense variant.
Genome position (GRCh38, 1-based): chr2:148,490,371, G>C. VCF-style: chr2-148490371-G-C. GRCh37 (hg19) VCF-style: chr2-149247940-G-C.
Other names: c.4739G>C, p.Gly1580Ala (NM_001438854.1, NM_001438856.1, NM_001438857.1 and 1 more transcripts); c.4040G>C, p.Gly1347Ala (NM_001438855.1, NM_001438859.1, NM_001438860.1 and 3 more transcripts); short protein forms G1347A, G1580A.
Identifiers: ClinVar variation 4717561 (VCV004717561.1).

ClinVar aggregate classification (germline): Uncertain significance (1 of 4 stars; one submission).

Conditions:
Intellectual developmental disorder, autosomal dominant 1. Also called: MBD5 Haploinsufficiency; Intellectual disability, autosomal dominant 1. Identifiers: Orphanet 228402, MedGen C1969562, MONDO:0007974, OMIM 156200.

gnomAD v4.1: 1 of 1,614,118 alleles (0.000062%); highest among the groups gnomAD compares: Non-Finnish European, 0.000085%; no homozygotes.

Submission:

Labcorp Genetics (formerly Invitae), Labcorp
Classification: Uncertain significance for Intellectual developmental disorder, autosomal dominant 1. Last evaluated: 2025-04-15. Review status: criteria provided, single submitter. Criteria: Invitae Variant Classification Sherloc (09022015). Collection method: clinical testing. Allele origin: germline.
Comment: This sequence change replaces glycine, which is neutral and non-polar, with alanine, which is neutral and non-polar, at codon 1347 of the MBD5 protein (p.Gly1347Ala). This variant is not present in population databases (gnomAD no frequency). This variant has not been reported in the literature in individuals affected with MBD5-related conditions. Experimental studies and prediction algorithms are not available or were not evaluated, and the functional significance of this variant is currently unknown. In summary, the available evidence is currently insufficient to determine the role of this variant in disease. Therefore, it has been classified as a Variant of Uncertain Significance.